The following is an entry in ClinVar:

NM_004356.4(CD81):c.535A>G (p.Ser179Gly)

Gene: CD81 (CD81 molecule; plus strand). Cytogenetic location: 11p15.5.
Variant type: single nucleotide variant.
Coding change: c.535A>G on transcript NM_004356.4 (MANE Select); coding-DNA position 535, A replaced by G.
Protein change: p.Ser179Gly; replaces serine 179 with glycine.
Molecular consequence: missense variant.
Genome position (GRCh38, 1-based): chr11:2,395,944, A>G. VCF-style: chr11-2395944-A-G. GRCh37 (hg19) VCF-style: chr11-2417174-A-G.
Other names: c.322A>G, p.Ser108Gly (NM_001297649.2); short protein forms S179G, S108G.
Identifiers: ClinVar variation 1486658 (VCV001486658.8), dbSNP rs1055793941, ClinGen allele CA216293972.

ClinVar aggregate classification (germline): Uncertain significance (1 of 4 stars; one submission).

Allele frequency attached by ClinVar (database versions not stated): gnomAD exomes 0.00001.
gnomAD v4.1: 10 of 1,611,996 alleles (0.00062%); highest among the groups gnomAD compares: Non-Finnish European, 0.00085%; no homozygotes.

Submission:

Labcorp Genetics (formerly Invitae), Labcorp
Classification: Uncertain significance. Last evaluated: 2021-04-27. Review status: criteria provided, single submitter. Criteria: Invitae Variant Classification Sherloc (09022015). Collection method: clinical testing. Allele origin: germline.
Comment: In summary, the available evidence is currently insufficient to determine the role of this variant in disease. Therefore, it has been classified as a Variant of Uncertain Significance. Algorithms developed to predict the effect of missense changes on protein structure and function output the following: SIFT: "Tolerated"; PolyPhen-2: "Benign"; Align-GVGD: "Class C0". The glycine amino acid residue is found in multiple mammalian species, suggesting that this missense change does not adversely affect protein function. These predictions have not been confirmed by published functional studies and their clinical significance is uncertain. This variant has not been reported in the literature in individuals with CD81-related conditions. This variant is not present in population databases (ExAC no frequency). This sequence change replaces serine with glycine at codon 179 of the CD81 protein (p.Ser179Gly). The serine residue is weakly conserved and there is a small physicochemical difference between serine and glycine.